The following is an entry in ClinVar:

ClinVar aggregate classification (germline): Uncertain significance. Review status: criteria provided, multiple submitters, no conflicts (2 of 4 stars). 2 submissions from 2 submitters: Uncertain significance (2). Last evaluated 2023-11-02.

Conditions:
Cardiovascular phenotype. Identifiers: MedGen CN230736.
Arrhythmogenic cardiomyopathy with wooly hair and keratoderma. Also called: Carvajal syndrome; PALMOPLANTAR KERATODERMA WITH LEFT VENTRICULAR CARDIOMYOPATHY AND WOOLLY HAIR; Dilated cardiomyopathy with woolly hair and keratoderma; Arrhythmogenic cardiomyopathy with woolly hair and keratoderma. Identifiers: Orphanet 65282, MedGen C1854063, MONDO:0011581, OMIM 605676.

Allele frequency attached by ClinVar (database versions not stated): gnomAD exomes below 0.00001.
gnomAD v4.1: 1 of 1,613,918 alleles (0.000062%); highest among the groups gnomAD compares: Non-Finnish European, 0.000085%; no homozygotes.

Submissions (2):

All of Us Research Program, National Institutes of Health
Classification: Uncertain significance for Arrhythmogenic cardiomyopathy with wooly hair and keratoderma. Last evaluated: 2023-11-02. Review status: criteria provided, single submitter. Criteria: ACMG Guidelines, 2015. Collection method: clinical testing. Allele origin: germline. Inheritance: Autosomal dominant inheritance. Observed: 1 variant allele, 1 heterozygote.
Comment: This missense variant replaces isoleucine with valine at codon 1370 of the DSP protein. Computational prediction suggests that this variant may not impact protein structure and function (internally defined REVEL score threshold <= 0.5, PMID: 27666373). To our knowledge, functional studies have not been reported for this variant. This variant has not been reported in individuals affected with DSP-related disorders in the literature. This variant has not been identified in the general population by the Genome Aggregation Database (gnomAD). The available evidence is insufficient to determine the role of this variant in disease conclusively. Therefore, this variant is classified as a Variant of Uncertain Significance.

This study involves interpretation of variants in research participants for the purpose of population health screening. Participant phenotype was not available at the time of variant classification. Additional details can be found in publication PMID: 35346344, PMCID: PMC8962531

Ambry Genetics
Classification: Uncertain significance for Cardiovascular phenotype. Last evaluated: 2022-05-30. Review status: criteria provided, single submitter. Criteria: Ambry Variant Classification Scheme 2023. Collection method: clinical testing. Allele origin: germline.

NM_004415.4(DSP):c.4108A>G (p.Ile1370Val)

Gene: DSP (desmoplakin; plus strand). Cytogenetic location: 6p24.3.
Variant type: single nucleotide variant.
Coding change: c.4108A>G on transcript NM_004415.4 (MANE Select); coding-DNA position 4108, A replaced by G.
Protein change: p.Ile1370Val; replaces isoleucine 1370 with valine.
Molecular consequence: missense variant. On other transcripts: intron variant (2).
Genome position (GRCh38, 1-based): chr6:7,580,298, A>G. VCF-style: chr6-7580298-A-G. GRCh37 (hg19) VCF-style: chr6-7580531-A-G.
Other names: c.4050+58A>G (NM_001319034.2); c.3582+526A>G (NM_001008844.3); short protein forms I1370V.
Identifiers: ClinVar variation 2293037 (VCV002293037.3), dbSNP rs2533927462, ClinGen allele CA362685575.